The following is an entry in ClinVar:

NC_000001.10:g.(?_43391628)_(43393369_?)del

Gene: SLC2A1 (solute carrier family 2 member 1; minus strand). Cytogenetic location: 1p34.2.
Variant type: Deletion.
Identifiers: ClinVar variation 1456210 (VCV001456210.5).

ClinVar aggregate classification (germline): Pathogenic (1 of 4 stars; one submission).

Conditions:
GLUT1 deficiency syndrome 1, autosomal recessive. Identifiers: MedGen C3149117.

Submission:

Labcorp Genetics (formerly Invitae), Labcorp
Classification: Pathogenic for GLUT1 deficiency syndrome 1, autosomal recessive. Last evaluated: 2022-02-09. Review status: criteria provided, single submitter. Criteria: Invitae Variant Classification Sherloc (09022015). Collection method: clinical testing. Allele origin: germline.
Comment: For these reasons, this variant has been classified as Pathogenic. This variant disrupts a region of the SLC2A1 protein in which other variant(s) (p.Ala472Serfs*5) have been determined to be pathogenic (Invitae). This suggests that this is a clinically significant region of the protein, and that variants that disrupt it are likely to be disease-causing. This variant has not been reported in the literature in individuals affected with SLC2A1-related conditions. This variant results in the deletion of exon 10 and part of exon 9 (c.1185_*1084del) of the SLC2A1 gene. While this deletion is not anticipated to lead to nonsense mediated decay, it is expected to alter mRNA translation or result in a truncated protein product.